The following is an entry in ClinVar:

NM_022455.5(NSD1):c.5780C>A (p.Ala1927Asp)

Gene: NSD1 (nuclear receptor binding SET domain protein 1; plus strand). Cytogenetic location: 5q35.3.
Variant type: single nucleotide variant.
Coding change: c.5780C>A on transcript NM_022455.5 (MANE Select); coding-DNA position 5780, C replaced by A.
Protein change: p.Ala1927Asp; replaces alanine 1927 with aspartic acid.
Molecular consequence: missense variant.
Genome position (GRCh38, 1-based): chr5:177,280,722, C>A. VCF-style: chr5-177280722-C-A. GRCh37 (hg19) VCF-style: chr5-176707723-C-A.
Other names: c.4907C>A, p.Ala1636Asp (NM_001365684.2, NM_001409308.1, NM_001409309.1 and 1 more transcripts); c.5780C>A, p.Ala1927Asp (NM_001409301.1, NM_001409302.1, NM_001409303.1); c.5360C>A, p.Ala1787Asp (NM_001409304.1); c.5027C>A, p.Ala1676Asp (NM_001409305.1); c.5018C>A, p.Ala1673Asp (NM_001409306.1, NM_001409307.1); short protein forms A1676D, A1636D, A1673D, A1927D, A1787D.
Identifiers: ClinVar variation 3202274 (VCV003202274.1), dbSNP rs2127257326, ClinGen allele CA362313239.

ClinVar aggregate classification (germline): Likely pathogenic (1 of 4 stars; one submission).

Conditions:
Inborn genetic diseases. Identifiers: MedGen C0950123, MeSH D030342.

Submission:

Ambry Genetics
Classification: Likely pathogenic for Inborn genetic diseases. Last evaluated: 2024-03-05. Review status: criteria provided, single submitter. Criteria: Ambry Variant Classification Scheme 2023. Collection method: clinical testing. Allele origin: germline.
Comment: The c.5780C>A (p.A1927D) alteration is located in exon 18 (coding exon 17) of the NSD1 gene. This alteration results from a C to A substitution at nucleotide position 5780, causing the alanine (A) at amino acid position 1927 to be replaced by an aspartic acid (D). This variant was not reported in population-based cohorts in the Genome Aggregation Database (gnomAD). This amino acid position is highly conserved in available vertebrate species. This missense alteration is located in a region that has a low rate of benign missense variation (Lek, 2016; Firth, 2009). This alteration is predicted to be deleterious by in silico analysis. Based on the available evidence, this alteration is classified as likely pathogenic.